The following is an entry in ClinVar:

NM_001387220.1(IKZF2):c.775C>T (p.Pro259Ser)

Gene: IKZF2 (IKAROS family zinc finger 2; minus strand). Cytogenetic location: 2q34.
Variant type: single nucleotide variant.
Coding change: c.775C>T on transcript NM_001387220.1 (MANE Select); coding-DNA position 775, C replaced by T.
Protein change: p.Pro259Ser; replaces proline 259 with serine.
Molecular consequence: missense variant. On other transcripts: intron variant (1).
Genome position (GRCh38, 1-based): chr2:213,013,872, G>A on the plus strand (C>T on the coding strand, the complement: IKZF2 is on the minus strand). VCF-style: chr2-213013872-G-A. GRCh37 (hg19) VCF-style: chr2-213878596-G-A.
Other names: c.697C>T, p.Pro233Ser (NM_001079526.2, NM_001371275.1, NM_001371276.1); c.775C>T, p.Pro259Ser (NM_001371274.1, NM_016260.3); c.632-5788C>T (NM_001371277.1); short protein forms P259S, P233S.
Identifiers: ClinVar variation 2989032 (VCV002989032.3), dbSNP rs1036986599, ClinGen allele CA65313928.

ClinVar aggregate classification (germline): Uncertain significance (1 of 4 stars; one submission).

Submission:

Labcorp Genetics (formerly Invitae), Labcorp
Classification: Uncertain significance. Last evaluated: 2023-12-11. Review status: criteria provided, single submitter. Criteria: Invitae Variant Classification Sherloc (09022015). Collection method: clinical testing. Allele origin: germline.
Comment: This sequence change replaces proline, which is neutral and non-polar, with serine, which is neutral and polar, at codon 259 of the IKZF2 protein (p.Pro259Ser). This variant is not present in population databases (gnomAD no frequency). This variant has not been reported in the literature in individuals affected with IKZF2-related conditions. Advanced modeling of protein sequence and biophysical properties (such as structural, functional, and spatial information, amino acid conservation, physicochemical variation, residue mobility, and thermodynamic stability) performed at Invitae indicates that this missense variant is not expected to disrupt IKZF2 protein function. In summary, the available evidence is currently insufficient to determine the role of this variant in disease. Therefore, it has been classified as a Variant of Uncertain Significance.